The following is an entry in ClinVar:

ClinVar aggregate classification (germline): Likely benign (1 of 4 stars; one submission).

Submission:

CeGaT Center for Human Genetics Tuebingen
Classification: Likely benign. Last evaluated: 2026-01-01. Review status: criteria provided, single submitter. Criteria: CeGaT Center For Human Genetics Tuebingen Variant Classification Criteria Version 2. Collection method: clinical testing. Allele origin: germline. Affected: yes. Observed: 1 variant allele.
Comment: MYOD1: BP4, BP7

NM_002478.5(MYOD1):c.165G>A (p.Ala55=)

Gene: MYOD1 (myogenic differentiation 1; plus strand). Cytogenetic location: 11p15.1.
Variant type: single nucleotide variant.
Coding change: c.165G>A on transcript NM_002478.5 (MANE Select); coding-DNA position 165, G replaced by A.
Protein change: p.Ala55=; no amino-acid change (alanine 55 retained).
Molecular consequence: synonymous variant.
Genome position (GRCh38, 1-based): chr11:17,719,947, G>A. VCF-style: chr11-17719947-G-A. GRCh37 (hg19) VCF-style: chr11-17741494-G-A.
Identifiers: ClinVar variation 4821201 (VCV004821201.4).